The following is an entry in ClinVar:

NM_000066.4(C8B):c.1363G>A (p.Ala455Thr)

Gene: C8B (complement C8 beta chain; minus strand). Cytogenetic location: 1p32.2.
Variant type: single nucleotide variant.
Coding change: c.1363G>A on transcript NM_000066.4 (MANE Select); coding-DNA position 1363, G replaced by A.
Protein change: p.Ala455Thr; replaces alanine 455 with threonine.
Molecular consequence: missense variant.
Genome position (GRCh38, 1-based): chr1:56,940,884, C>T on the plus strand (G>A on the coding strand, the complement: C8B is on the minus strand). VCF-style: chr1-56940884-C-T. GRCh37 (hg19) VCF-style: chr1-57406557-C-T.
Other names: c.1207G>A, p.Ala403Thr (NM_001278543.2); c.1177G>A, p.Ala393Thr (NM_001278544.2); short protein forms A393T, A403T, A455T.
Identifiers: ClinVar variation 2417803 (VCV002417803.3), dbSNP rs201806369, ClinGen allele CA875666.

ClinVar aggregate classification (germline): Uncertain significance (1 of 4 stars; one submission).

Allele frequency attached by ClinVar (database versions not stated): ExAC 0.00002; TOPMed 0.00003; gnomAD 0.00004.
gnomAD v4.1: 34 of 1,613,846 alleles (0.0021%); highest among the groups gnomAD compares: African/African-American, 0.004%; no homozygotes.

Submission:

Labcorp Genetics (formerly Invitae), Labcorp
Classification: Uncertain significance. Last evaluated: 2022-08-10. Review status: criteria provided, single submitter. Criteria: Invitae Variant Classification Sherloc (09022015). Collection method: clinical testing. Allele origin: germline.
Comment: This sequence change replaces alanine, which is neutral and non-polar, with threonine, which is neutral and polar, at codon 455 of the C8B protein (p.Ala455Thr). This variant is present in population databases (rs201806369, gnomAD 0.006%). This variant has not been reported in the literature in individuals affected with C8B-related conditions. Algorithms developed to predict the effect of missense changes on protein structure and function are either unavailable or do not agree on the potential impact of this missense change (SIFT: "Deleterious"; PolyPhen-2: "Probably Damaging"; Align-GVGD: "Class C0"). In summary, the available evidence is currently insufficient to determine the role of this variant in disease. Therefore, it has been classified as a Variant of Uncertain Significance.